The following is an entry in ClinVar:

ClinVar aggregate classification (germline): Benign. Review status: criteria provided, multiple submitters, no conflicts (2 of 4 stars). 4 submissions from 3 submitters: Benign (4). Last evaluated 2021-05-10.

Conditions:
Fibrochondrogenesis 1 (FBCG1). Identifiers: Orphanet 2021, MedGen C3278138, MONDO:0009226, OMIM 228520.
Stickler syndrome type 2 (STL2). Also called: STICKLER SYNDROME, TYPE II; STICKLER SYNDROME, BEADED VITREOUS TYPE; STICKLER SYNDROME, VITREOUS TYPE 2; COL11A1-Related Stickler Syndrome. Identifiers: Orphanet 828, Orphanet 90654, MedGen C1858084, MONDO:0011493, OMIM 604841.

Allele frequency attached by ClinVar (database versions not stated): gnomAD 0.19114 and 0.19681; TOPMed 0.19697; 1000 Genomes Project 30x 0.21908; gnomAD exomes 0.21918; 1000 Genomes Project 0.22444.
gnomAD v4.1: 29,786 of 152,138 alleles (20%); highest among the groups gnomAD compares: South Asian, 30%; 3,068 homozygotes.

Submissions (4):

GeneDx
Classification: Benign. Last evaluated: 2021-05-10. Review status: criteria provided, single submitter. Criteria: GeneDx Variant Classification Process June 2021. Collection method: clinical testing. Allele origin: germline. Affected: yes.

Illumina Laboratory Services, Illumina
Classification: Benign for Stickler syndrome type 2. Last evaluated: 2018-01-12. Review status: criteria provided, single submitter. Criteria: ICSL Variant Classification Criteria 13 December 2019. Collection method: clinical testing. Allele origin: germline.
Comment: This variant was observed in the ICSL laboratory as part of a predisposition screen in an ostensibly healthy population. It had not been previously curated by ICSL or reported in the Human Gene Mutation Database (HGMD: prior to June 1st, 2018), and was therefore a candidate for classification through an automated scoring system. Utilizing variant allele frequency, disease prevalence and penetrance estimates, and inheritance mode, an automated score was calculated to assess if this variant is too frequent to cause the disease. Based on the score and internal cut-off values, a variant classified as benign is not then subjected to further curation. The score for this variant resulted in a classification of benign for this disease.

Illumina Laboratory Services, Illumina
Classification: Benign for Fibrochondrogenesis 1. Last evaluated: 2018-01-12. Review status: criteria provided, single submitter. Criteria: ICSL Variant Classification Criteria 13 December 2019. Collection method: clinical testing. Allele origin: germline.
Comment: the same text as in the submission from Illumina Laboratory Services, Illumina above.

Breakthrough Genomics
Classification: Benign. Review status: criteria provided, single submitter. Criteria: ACMG Guidelines, 2015. Collection method: not provided. Allele origin: germline. Inheritance: Autosomal recessive inheritance. Affected: yes.

NM_001854.4(COL11A1):c.*1183A>G

Gene: COL11A1 (collagen type XI alpha 1 chain; minus strand). Cytogenetic location: 1p21.1.
Variant type: single nucleotide variant.
Coding change: c.*1183A>G on transcript NM_001854.4 (MANE Select); 1183 bases downstream of the stop codon, A replaced by G.
Molecular consequence: 3 prime UTR variant. On other transcripts: non-coding transcript variant (1).
Genome position (GRCh38, 1-based): chr1:102,876,836, T>C on the plus strand (A>G on the coding strand, the complement: COL11A1 is on the minus strand). VCF-style: chr1-102876836-T-C. GRCh37 (hg19) VCF-style: chr1-103342392-T-C.
Other names: c.*1183A>G (NM_001190709.2, NM_080629.3, NM_080630.4).
Identifiers: ClinVar variation 291477 (VCV000291477.9), dbSNP rs9659030, ClinGen allele CA10607169.